The following is an entry in ClinVar:

ClinVar aggregate classification (germline): Uncertain significance (1 of 4 stars; one submission).

Allele frequency attached by ClinVar (database versions not stated): gnomAD 0.00001; TOPMed below 0.00001.
gnomAD v4.1: 8 of 1,613,884 alleles (0.0005%); highest among the groups gnomAD compares: East Asian, 0.0022%; no homozygotes.

Submission:

Labcorp Genetics (formerly Invitae), Labcorp
Classification: Uncertain significance. Last evaluated: 2025-06-15. Review status: criteria provided, single submitter. Criteria: Invitae Variant Classification Sherloc (09022015). Collection method: clinical testing. Allele origin: germline.
Comment: This sequence change replaces arginine, which is basic and polar, with cysteine, which is neutral and slightly polar, at codon 390 of the RIPK1 protein (p.Arg390Cys). This variant is present in population databases (no rsID available, gnomAD 0.007%). This variant has not been reported in the literature in individuals affected with RIPK1-related conditions. ClinVar contains an entry for this variant (Variation ID: 3016977). An algorithm developed to predict the effect of missense changes on protein structure and function (PolyPhen-2) suggests that this variant is likely to be disruptive. In summary, the available evidence is currently insufficient to determine the role of this variant in disease. Therefore, it has been classified as a Variant of Uncertain Significance.

NM_001354930.2(RIPK1):c.1168C>T (p.Arg390Cys)

Gene: RIPK1 (receptor interacting serine/threonine kinase 1; plus strand). Cytogenetic location: 6p25.2.
Variant type: single nucleotide variant.
Coding change: c.1168C>T on transcript NM_001354930.2 (MANE Select); coding-DNA position 1168, C replaced by T.
Protein change: p.Arg390Cys; replaces arginine 390 with cysteine.
Molecular consequence: missense variant.
Genome position (GRCh38, 1-based): chr6:3,105,643, C>T. VCF-style: chr6-3105643-C-T. GRCh37 (hg19) VCF-style: chr6-3105877-C-T.
Other names: c.679C>T, p.Arg227Cys (NM_001317061.3, NM_001354932.2, NM_001354933.2 and 1 more transcripts); c.1030C>T, p.Arg344Cys (NM_001354931.2); c.1168C>T, p.Arg390Cys (NM_003804.6); short protein forms R390C, R227C, R344C.
Identifiers: ClinVar variation 3016977 (VCV003016977.3), dbSNP rs1292469757, ClinGen allele CA362571639.
Genomic context (GRCh38, chr6:3,105,643, plus strand): 5'-AATGAGCCCAGCCTGCAGAGTAAACTCCAAGACGAAGCCAACTACCATCTTTATGGCAGC[C>T]GCATGGACAGGCAGACGAAACAGCAGCCCAGACAGAATGTGGCTTACAACAGAGAGGAGG-3'
Protein context (NP_001341859.1, residues 380-400): DEANYHLYGS[Arg390Cys]MDRQTKQQPR